The following is an entry in ClinVar:

ClinVar aggregate classification (germline): Likely pathogenic (1 of 4 stars; one submission).

Allele frequency attached by ClinVar (database versions not stated): gnomAD exomes 0.00001.
gnomAD v4.1: 1 of 1,578,482 alleles (0.000063%); no homozygotes.

Submission:

Labcorp Genetics (formerly Invitae), Labcorp
Classification: Likely pathogenic. Last evaluated: 2021-02-13. Review status: criteria provided, single submitter. Criteria: Invitae Variant Classification Sherloc (09022015). Collection method: clinical testing. Allele origin: germline.
Comment: Algorithms developed to predict the effect of sequence changes on RNA splicing suggest that this variant may disrupt the consensus splice site, but this prediction has not been confirmed by published transcriptional studies. In summary, the currently available evidence indicates that the variant is pathogenic, but additional data are needed to prove that conclusively. Therefore, this variant has been classified as Likely Pathogenic. This variant has not been reported in the literature in individuals with COL27A1-related conditions. This variant is not present in population databases (ExAC no frequency). This sequence change affects a donor splice site in intron 29 of the COL27A1 gene. It is expected to disrupt RNA splicing. Variants that disrupt the donor or acceptor splice site typically lead to a loss of protein function (PMID: 16199547), and loss-of-function variants in COL27A1 are known to be pathogenic (PMID: 24986830, 28276056).

Literature cited by the submitters: PubMed 16199547; PubMed 24986830; PubMed 28276056.

NM_032888.4(COL27A1):c.3249+1G>T

Gene: COL27A1 (collagen type XXVII alpha 1 chain; plus strand). Cytogenetic location: 9q32.
Variant type: single nucleotide variant.
Coding change: c.3249+1G>T on transcript NM_032888.4 (MANE Select); the canonical splice donor site of the intron after coding-DNA position 3249, G replaced by T.
Molecular consequence: splice donor variant.
Genome position (GRCh38, 1-based): chr9:114,264,409, G>T. VCF-style: chr9-114264409-G-T. GRCh37 (hg19) VCF-style: chr9-117026689-G-T.
Identifiers: ClinVar variation 1346078 (VCV001346078.8), dbSNP rs747841271, ClinGen allele CA374596146.